The following is an entry in ClinVar:

ClinVar aggregate classification (germline): Likely benign. Review status: criteria provided, multiple submitters, no conflicts (2 of 4 stars). 3 submissions from 3 submitters: Likely benign (3). Last evaluated 2024-11-10.

Conditions:
Hereditary cancer-predisposing syndrome. Also called: Tumor predisposition; Neoplastic Syndromes, Hereditary; Hereditary Cancer Syndrome; Hereditary neoplastic syndrome. Identifiers: Orphanet 140162, MedGen C0027672, MeSH D009386, MONDO:0015356.

Allele frequency attached by ClinVar (database versions not stated): gnomAD exomes 0.00001.
gnomAD v4.1: 4 of 1,614,186 alleles (0.00025%); highest among the groups gnomAD compares: Non-Finnish European, 0.00034%; no homozygotes.

Submissions (3):

Labcorp Genetics (formerly Invitae), Labcorp
Classification: Likely benign. Last evaluated: 2024-11-10. Review status: criteria provided, single submitter. Criteria: Invitae Variant Classification Sherloc (09022015). Collection method: clinical testing. Allele origin: germline.

Ambry Genetics
Classification: Likely benign for Hereditary cancer-predisposing syndrome. Last evaluated: 2018-10-08. Review status: criteria provided, single submitter. Criteria: Ambry Variant Classification Scheme 2023. Collection method: clinical testing. Allele origin: germline.

GeneDx
Classification: Likely benign. Last evaluated: 2016-06-28. Review status: criteria provided, single submitter. Criteria: GeneDx Variant Classification (06012015). Collection method: clinical testing. Allele origin: germline. Affected: yes.
Comment: This variant is considered likely benign or benign based on one or more of the following criteria: it is a conservative change, it occurs at a poorly conserved position in the protein, it is predicted to be benign by multiple in silico algorithms, and/or has population frequency not consistent with disease.

NM_006231.4(POLE):c.2676C>T (p.Tyr892=)

Gene: POLE (DNA polymerase epsilon, catalytic subunit; minus strand). Cytogenetic location: 12q24.33.
Variant type: single nucleotide variant.
Coding change: c.2676C>T on transcript NM_006231.4 (MANE Select); coding-DNA position 2676, C replaced by T.
Protein change: p.Tyr892=; no amino-acid change (tyrosine 892 retained).
Molecular consequence: synonymous variant.
Genome position (GRCh38, 1-based): chr12:132,664,034, G>A on the plus strand (C>T on the coding strand, the complement: POLE is on the minus strand). VCF-style: chr12-132664034-G-A. GRCh37 (hg19) VCF-style: chr12-133240620-G-A.
Identifiers: ClinVar variation 240440 (VCV000240440.14), dbSNP rs878854853, ClinGen allele CA10583009.